The following is an entry in ClinVar:

NM_032444.4(SLX4):c.4637-234G>A

Gene: SLX4 (SLX4 structure-specific endonuclease subunit; minus strand). Cytogenetic location: 16p13.3.
Variant type: single nucleotide variant.
Coding change: c.4637-234G>A on transcript NM_032444.4 (MANE Select); 234 bases into the intron before coding-DNA position 4637, G replaced by A.
Molecular consequence: intron variant.
Genome position (GRCh38, 1-based): chr16:3,585,105, C>T on the plus strand (G>A on the coding strand, the complement: SLX4 is on the minus strand). VCF-style: chr16-3585105-C-T. GRCh37 (hg19) VCF-style: chr16-3635106-C-T.
Identifiers: ClinVar variation 929608 (VCV000929608.1), dbSNP rs570144493, ClinGen allele CA276953683.

ClinVar aggregate classification (germline): Likely benign (0 of 4 stars; one submission).

Allele frequency attached by ClinVar (database versions not stated): TOPMed 0.00006; gnomAD 0.00019 and 0.00020; 1000 Genomes Project 30x 0.00031; 1000 Genomes Project 0.00040.

Submission:

Leiden Open Variation Database
Classification: Likely benign. Last evaluated: 2012-08-31. Review status: no assertion criteria provided. Collection method: curation. Allele origin: germline. Affected: yes.
Comment: Curator: Arleen D. Auerbach. Submitter to LOVD: Janine Bakker.

Literature cited by the submitters: PubMed 22911665.